The following is an entry in ClinVar:

ClinVar aggregate classification (germline): Uncertain significance (1 of 4 stars; one submission).

Conditions:
Hereditary cancer-predisposing syndrome. Also called: Neoplastic Syndromes, Hereditary; Hereditary neoplastic syndrome; Tumor predisposition; Hereditary Cancer Syndrome. Identifiers: Orphanet 140162, MedGen C0027672, MeSH D009386, MONDO:0015356.

Submission:

Ambry Genetics
Classification: Uncertain significance for Hereditary cancer-predisposing syndrome. Last evaluated: 2026-02-18. Review status: criteria provided, single submitter. Criteria: Ambry Variant Classification Scheme 2023. Collection method: clinical testing. Allele origin: germline.
Comment: The p.D1699Y variant (also known as c.5095G>T), located in coding exon 10 of the BRCA2 gene, results from a G to T substitution at nucleotide position 5095. The aspartic acid at codon 1699 is replaced by tyrosine, an amino acid with highly dissimilar properties. This amino acid position is not well conserved in available vertebrate species. In addition, this alteration is predicted to be tolerated by in silico analysis. Based on the available evidence, the clinical significance of this variant remains unclear.

NM_000059.4(BRCA2):c.5095G>T (p.Asp1699Tyr)

Gene: BRCA2 (BRCA2 DNA repair associated; plus strand). Cytogenetic location: 13q13.1.
Variant type: single nucleotide variant.
Coding change: c.5095G>T on transcript NM_000059.4 (MANE Select); coding-DNA position 5095, G replaced by T.
Protein change: p.Asp1699Tyr; replaces aspartic acid 1699 with tyrosine.
Molecular consequence: missense variant. On other transcripts: non-coding transcript variant (1), intron variant (2).
Genome position (GRCh38, 1-based): chr13:32,339,450, G>T. VCF-style: chr13-32339450-G-T. GRCh37 (hg19) VCF-style: chr13-32913587-G-T.
Other names: c.5095G>T, p.Asp1699Tyr (NM_001406719.1, NM_001406720.1, NM_001432077.1); c.1910-5108G>T (NM_001406721.1); c.425-5108G>T (NM_001406722.1); short protein forms D1699Y.
Identifiers: ClinVar variation 4824542 (VCV004824542.1).
Genomic context (GRCh38, chr13:32,339,450, plus strand): 5'-ACTTCTGTGAGTCAGACTTCATTACTTGAAGCAAAAAAATGGCTTAGAGAAGGAATATTT[G>T]ATGGTCAACCAGAAAGAATAAATACTGCAGATTATGTAGGAAATTATTTGTATGAAAATA-3'
Protein context (NP_000050.3, residues 1689-1709): AKKWLREGIF[Asp1699Tyr]GQPERINTAD